The following is an entry in ClinVar:

ClinVar aggregate classification (germline): Conflicting classifications of pathogenicity. Review status: criteria provided, conflicting classifications (1 of 4 stars). 4 submissions from 4 submitters: Uncertain significance (3); Likely benign (1). Last evaluated 2025-06-08.

Conditions:
BRCA2-related cancer predisposition. Identifiers: MedGen CN377758, MONDO:0700269.
Hereditary breast ovarian cancer syndrome. Also called: Hereditary breast and ovarian cancer syndrome (HBOC); Hereditary breast and ovarian cancer syndrome; Breast and ovarian cancer; Hereditary breast and ovarian cancer; Hereditary breast and/or ovarian cancer syndrome; BRCA1- and BRCA2-Associated Hereditary Breast and Ovarian Cancer. Identifiers: Orphanet 145, MedGen C0677776, MeSH D061325, MONDO:0003582. Disease mechanism: loss of function.
Hereditary cancer-predisposing syndrome. Also called: Neoplastic Syndromes, Hereditary; Tumor predisposition; Hereditary neoplastic syndrome; Hereditary Cancer Syndrome. Identifiers: Orphanet 140162, MedGen C0027672, MeSH D009386, MONDO:0015356.

Allele frequency attached by ClinVar (database versions not stated): gnomAD exomes below 0.00001.
gnomAD v4.1: 2 of 1,595,814 alleles (0.00013%); highest among the groups gnomAD compares: East Asian, 0.0022%; no homozygotes.

Submissions (4):

Labcorp Genetics (formerly Invitae), Labcorp
Classification: Uncertain significance for Hereditary breast ovarian cancer syndrome. Last evaluated: 2025-06-08. Review status: criteria provided, single submitter. Criteria: Invitae Variant Classification Sherloc (09022015). Collection method: clinical testing. Allele origin: germline.
Comment: This sequence change replaces arginine, which is basic and polar, with glycine, which is neutral and non-polar, at codon 1677 of the BRCA2 protein (p.Arg1677Gly). This variant is not present in population databases (gnomAD no frequency). This variant has not been reported in the literature in individuals affected with BRCA2-related conditions. ClinVar contains an entry for this variant (Variation ID: 662794). Invitae Evidence Modeling of protein sequence and biophysical properties (such as structural, functional, and spatial information, amino acid conservation, physicochemical variation, residue mobility, and thermodynamic stability) indicates that this missense variant is not expected to disrupt BRCA2 protein function with a negative predictive value of 95%. In summary, the available evidence is currently insufficient to determine the role of this variant in disease. Therefore, it has been classified as a Variant of Uncertain Significance.

Ambry Genetics
Classification: Uncertain significance for Hereditary cancer-predisposing syndrome. Last evaluated: 2025-02-06. Review status: criteria provided, single submitter. Criteria: Ambry Variant Classification Scheme 2023. Collection method: clinical testing. Allele origin: germline.
Comment: The p.R1677G variant (also known as c.5029A>G), located in coding exon 10 of the BRCA2 gene, results from an A to G substitution at nucleotide position 5029. The arginine at codon 1677 is replaced by glycine, an amino acid with dissimilar properties. This amino acid position is conserved. In addition, the in silico prediction for this alteration is inconclusive. Since supporting evidence is limited at this time, the clinical significance of this alteration remains unclear.

All of Us Research Program, National Institutes of Health
Classification: Uncertain significance for BRCA2-related cancer predisposition. Last evaluated: 2024-09-23. Review status: criteria provided, single submitter. Criteria: ACMG Guidelines, 2015. Collection method: clinical testing. Allele origin: germline. Inheritance: Autosomal dominant inheritance. Observed: 1 variant allele, 1 heterozygote.
Comment: This study involves interpretation of variants in research participants for the purpose of population health screening. Participant phenotype was not available at the time of variant classification. Additional details can be found in publication PMID: 35346344, PMCID: PMC8962531

University of Washington Department of Laboratory Medicine, University of Washington
Classification: Likely benign for Hereditary cancer-predisposing syndrome. Last evaluated: 2023-03-23. Review status: criteria provided, single submitter. Criteria: Dines et al. (Genet Med. 2020). Collection method: curation. Allele origin: germline.
Comment: Missense variant in a coldspot region where missense variants are very unlikely to be pathogenic (PMID:31911673).

BRCA2 exon 11 coldspot. Reclassification based on statistical prior probability.

NM_000059.4(BRCA2):c.5029A>G (p.Arg1677Gly)

Gene: BRCA2 (BRCA2 DNA repair associated; plus strand). Cytogenetic location: 13q13.1.
Variant type: single nucleotide variant.
Coding change: c.5029A>G on transcript NM_000059.4 (MANE Select); coding-DNA position 5029, A replaced by G.
Protein change: p.Arg1677Gly; replaces arginine 1677 with glycine.
Molecular consequence: missense variant.
Genome position (GRCh38, 1-based): chr13:32,339,384, A>G. VCF-style: chr13-32339384-A-G. GRCh37 (hg19) VCF-style: chr13-32913521-A-G.
Other names: short protein forms R1677G.
Identifiers: ClinVar variation 662794 (VCV000662794.14), dbSNP rs1593904196, ClinGen allele CA387783978.